The following is an entry in ClinVar:

ClinVar aggregate classification (germline): Uncertain significance (1 of 4 stars; one submission).

Conditions:
Growth delay due to insulin-like growth factor I resistance. Also called: Insulin-Like Growth Factor I Resistance; Somatomedin end-organ insensitivity to; Somatomedin-c resistance to; IGF-1 resistance; IGF-I RESISTANCE. Identifiers: Orphanet 73273, MedGen C1849157, MONDO:0010038, OMIM 270450.

gnomAD v4.1: 1 of 1,614,188 alleles (0.000062%); no homozygotes.

Submission:

MGZ Medical Genetics Center
Classification: Uncertain significance for Growth delay due to insulin-like growth factor I resistance. Last evaluated: 2022-06-14. Review status: criteria provided, single submitter. Criteria: ACMG Guidelines, 2015. Collection method: clinical testing. Allele origin: germline. Affected: yes. Observed: 2 variant alleles.
Comment: ACMG criteria applied: PM2_SUP

NM_000875.5(IGF1R):c.2810T>C (p.Ile937Thr)

Gene: IGF1R (insulin like growth factor 1 receptor; plus strand). Cytogenetic location: 15q26.3.
Variant type: single nucleotide variant.
Coding change: c.2810T>C on transcript NM_000875.5 (MANE Select); coding-DNA position 2810, T replaced by C.
Protein change: p.Ile937Thr; replaces isoleucine 937 with threonine.
Molecular consequence: missense variant.
Genome position (GRCh38, 1-based): chr15:98,929,585, T>C. VCF-style: chr15-98929585-T-C. GRCh37 (hg19) VCF-style: chr15-99472814-T-C.
Other names: c.2807T>C, p.Ile936Thr (NM_001291858.2); short protein forms I936T, I937T.
Identifiers: ClinVar variation 1709246 (VCV001709246.2), dbSNP rs1596462912, ClinGen allele CA393682778.
Genomic context (GRCh38, chr15:98,929,585, plus strand): 5'-TGATATTTTATCATTTCCTCCTCTTTGCTGCAGCAGGATATGAAAACTTCATCCATCTGA[T>C]CATCGCTCTGCCCGTCGCTGTCCTGTTGATCGTGGGAGGGTTGGTGATTATGCTGTACGT-3'
Protein context (NP_000866.1, residues 927-947): KTGYENFIHL[Ile937Thr]IALPVAVLLI